The following is an entry in ClinVar:

ClinVar aggregate classification (germline): Pathogenic. Review status: criteria provided, multiple submitters, no conflicts (2 of 4 stars). 2 submissions from 2 submitters: Pathogenic (2). Last evaluated 2023-06-24.

Conditions:
Vici syndrome (VICIS). Identifiers: Orphanet 1493, MedGen C1855772, MONDO:0009452, OMIM 242840.

Allele frequency attached by ClinVar (database versions not stated): gnomAD exomes below 0.00001; TOPMed 0.00002.
gnomAD v4.1: 3 of 1,614,088 alleles (0.00019%); highest among the groups gnomAD compares: Non-Finnish European, 0.00017%; no homozygotes.

Submissions (2):

Labcorp Genetics (formerly Invitae), Labcorp
Classification: Pathogenic for Vici syndrome. Last evaluated: 2023-06-24. Review status: criteria provided, single submitter. Criteria: Invitae Variant Classification Sherloc (09022015). Collection method: clinical testing. Allele origin: germline.
Comment: For these reasons, this variant has been classified as Pathogenic. ClinVar contains an entry for this variant (Variation ID: 488506). This premature translational stop signal has been observed in individual(s) with EPG5-related conditions (PMID: 31130284). This variant is present in population databases (no rsID available, gnomAD 0.0009%). This sequence change creates a premature translational stop signal (p.Arg642*) in the EPG5 gene. It is expected to result in an absent or disrupted protein product. Loss-of-function variants in EPG5 are known to be pathogenic (PMID: 23222957, 23674064).

Institute of Human Genetics Munich, TUM University Hospital
Classification: Pathogenic for Vici syndrome. Last evaluated: 2017-10-25. Review status: criteria provided, single submitter. Criteria: Classification criteria August 2017. Collection method: clinical testing. Allele origin: maternal. Inheritance: Autosomal recessive inheritance. Affected: yes. Observed: 1 compound heterozygote.

Literature cited by the submitters: PubMed 31130284 (cited by Labcorp Genetics (formerly Invitae), Labcorp); PubMed 23222957 (cited by Labcorp Genetics (formerly Invitae), Labcorp); PubMed 23674064 (cited by Labcorp Genetics (formerly Invitae), Labcorp).

NM_020964.3(EPG5):c.1924C>T (p.Arg642Ter)

Gene: EPG5 (ectopic P-granules 5 autophagy tethering factor; minus strand). Cytogenetic location: 18q21.1.
Variant type: single nucleotide variant.
Coding change: c.1924C>T on transcript NM_020964.3 (MANE Select); coding-DNA position 1924, C replaced by T.
Protein change: p.Arg642Ter; replaces arginine 642 with a stop codon.
Molecular consequence: nonsense.
Genome position (GRCh38, 1-based): chr18:45,943,180, G>A on the plus strand (C>T on the coding strand, the complement: EPG5 is on the minus strand). VCF-style: chr18-45943180-G-A. GRCh37 (hg19) VCF-style: chr18-43523146-G-A.
Other names: c.1924C>T, p.Arg642Ter (LRG_1234t1); short protein forms R642*.
Identifiers: ClinVar variation 488506 (VCV000488506.7), dbSNP rs912986968, ClinGen allele CA299784267.
Genomic context (GRCh38, chr18:45,943,180, plus strand): 5'-GGTGAAAGGAACAGAGAAGGGTAGAGCAACAGCAGTATTACCTGATCATATAACCAATTC[G>A]CTTCACAAACTGCCTATAGCGTGCTCTATTAAAGGTTTCTAACCCCACAGCCAGAAGTTC-3'